The following is an entry in ClinVar:

NM_001086521.2(NDUFAF8):c.171C>T (p.Ala57=)

Gene: NDUFAF8 (NADH:ubiquinone oxidoreductase complex assembly factor 8; plus strand). Cytogenetic location: 17q25.3.
Variant type: single nucleotide variant.
Coding change: c.171C>T on transcript NM_001086521.2 (MANE Select); coding-DNA position 171, C replaced by T.
Protein change: p.Ala57=; no amino-acid change (alanine 57 retained).
Molecular consequence: synonymous variant. On other transcripts: 5 prime UTR variant (1).
Genome position (GRCh38, 1-based): chr17:81,239,654, C>T. VCF-style: chr17-81239654-C-T. GRCh37 (hg19) VCF-style: chr17-79213454-C-T.
Other names: c.171C>T, p.Ala57= (NM_001353402.1); c.-253C>T (NM_001353403.1).
Identifiers: ClinVar variation 5041275 (VCV005041275.1).
Genomic context (GRCh38, chr17:81,239,654, plus strand): 5'-GGCCTCCACGGCCCCGGGCGGCCGCCTGAGTAAGGACTTCTGCGCGCGGGAGTTCGAGGC[C>T]CTGCGGAGCTGCTTCGCCGCTGCGGTAGGTGGGCGCGGGCCCCTTCCCCCCTTCCCAGCC-3'
Protein context (NP_001079990.1, residues 47-67): SKDFCAREFE[Ala57=]LRSCFAAAAK

ClinVar aggregate classification (germline): Likely benign (1 of 4 stars; one submission).

gnomAD v4.1: 8 of 1,540,004 alleles (0.00052%); highest among the groups gnomAD compares: Admixed American, 0.0078%; no homozygotes.

Submission:

CeGaT Center for Human Genetics Tuebingen
Classification: Likely benign. Last evaluated: 2026-09-01. Review status: criteria provided, single submitter. Criteria: CeGaT Center For Human Genetics Tuebingen Variant Classification Criteria Version 2. Collection method: clinical testing. Allele origin: germline. Affected: yes. Observed: 1 variant allele.
Comment: NDUFAF8: BP4, BP7